The following is an entry in ClinVar:

ClinVar aggregate classification (germline): Uncertain significance (1 of 4 stars; one submission).

Allele frequency attached by ClinVar (database versions not stated): gnomAD 0.00001; TOPMed 0.00001; gnomAD exomes 0.00001.

Submission:

Labcorp Genetics (formerly Invitae), Labcorp
Classification: Uncertain significance. Last evaluated: 2025-10-02. Review status: criteria provided, single submitter. Criteria: Invitae Variant Classification Sherloc (09022015). Collection method: clinical testing. Allele origin: germline.
Comment: This sequence change replaces threonine, which is neutral and polar, with methionine, which is neutral and non-polar, at codon 503 of the NOTCH3 protein (p.Thr503Met). This variant is present in population databases (no rsID available, gnomAD 0.004%). This variant has not been reported in the literature in individuals affected with NOTCH3-related conditions. ClinVar contains an entry for this variant (Variation ID: 2092404). Invitae Evidence Modeling of protein sequence and biophysical properties (such as structural, functional, and spatial information, amino acid conservation, physicochemical variation, residue mobility, and thermodynamic stability) indicates that this missense variant is not expected to disrupt NOTCH3 protein function with a negative predictive value of 95%. In summary, the available evidence is currently insufficient to determine the role of this variant in disease. Therefore, it has been classified as a Variant of Uncertain Significance.

NM_000435.3(NOTCH3):c.1508C>T (p.Thr503Met)

Gene: NOTCH3 (notch receptor 3; minus strand). Cytogenetic location: 19p13.12.
Variant type: single nucleotide variant.
Coding change: c.1508C>T on transcript NM_000435.3 (MANE Select); coding-DNA position 1508, C replaced by T.
Protein change: p.Thr503Met; replaces threonine 503 with methionine.
Molecular consequence: missense variant.
Genome position (GRCh38, 1-based): chr19:15,187,979, G>A on the plus strand (C>T on the coding strand, the complement: NOTCH3 is on the minus strand). VCF-style: chr19-15187979-G-A. GRCh37 (hg19) VCF-style: chr19-15298790-G-A.
Other names: short protein forms T503M.
Identifiers: ClinVar variation 2092404 (VCV002092404.4), dbSNP rs926266778, ClinGen allele CA305775280.